The following is an entry in ClinVar:

NM_000188.3(HK1):c.328G>A (p.Glu110Lys)

Gene: HK1 (hexokinase 1; plus strand). Cytogenetic location: 10q22.1.
Variant type: single nucleotide variant.
Coding change: c.328G>A on transcript NM_000188.3 (MANE Select); coding-DNA position 328, G replaced by A.
Protein change: p.Glu110Lys; replaces glutamic acid 110 with lysine.
Molecular consequence: missense variant.
Genome position (GRCh38, 1-based): chr10:69,359,998, G>A. VCF-style: chr10-69359998-G-A. GRCh37 (hg19) VCF-style: chr10-71119754-G-A.
Other names: c.340G>A, p.Glu114Lys (NM_001322364.2, NM_001358263.1, NM_033497.3 and 1 more transcripts); c.433G>A, p.Glu145Lys (NM_001322365.2); c.244G>A, p.Glu82Lys (NM_001322366.1); c.328G>A, p.Glu110Lys (NM_001322367.1); c.325G>A, p.Glu109Lys (NM_033496.3); c.292G>A, p.Glu98Lys (NM_033500.2); short protein forms E109K, E110K, E114K, E145K, E82K, E98K.
Identifiers: ClinVar variation 3250201 (VCV003250201.2).

ClinVar aggregate classification (germline): Uncertain significance. Review status: criteria provided, single submitter (1 of 4 stars). 2 submissions from 2 submitters: Uncertain significance (1). 1 of the submissions does not count toward it. Last evaluated 2025-11-08.

Conditions:
Retinal dystrophy. Also called: Inherited retinal dystrophy. Identifiers: Orphanet 71862, MedGen C0854723, MeSH D058499, MONDO:0019118, HP:0000556.

gnomAD v4.1: 18 of 1,614,182 alleles (0.0011%); highest among the groups gnomAD compares: Admixed American, 0.0033%; no homozygotes.

Submissions (2):

Labcorp Genetics (formerly Invitae), Labcorp
Classification: Uncertain significance. Last evaluated: 2025-11-08. Review status: criteria provided, single submitter. Criteria: Invitae Variant Classification Sherloc (09022015). Collection method: clinical testing. Allele origin: germline.
Comment: This sequence change replaces glutamic acid, which is acidic and polar, with lysine, which is basic and polar, at codon 110 of the HK1 protein (p.Glu110Lys). This variant is present in population databases (rs757935354, gnomAD 0.003%). This variant has not been reported in the literature in individuals affected with HK1-related conditions. ClinVar contains an entry for this variant (Variation ID: 3250201). Invitae Evidence Modeling of protein sequence and biophysical properties (such as structural, functional, and spatial information, amino acid conservation, physicochemical variation, residue mobility, and thermodynamic stability) indicates that this missense variant is not expected to disrupt HK1 protein function with a negative predictive value of 80%. In summary, the available evidence is currently insufficient to determine the role of this variant in disease. Therefore, it has been classified as a Variant of Uncertain Significance.

Institute of Human Genetics, Univ. Regensburg, Univ. Regensburg
Classification: Uncertain significance for Retinal dystrophy. Last evaluated: 2017-01-01. Review status: no assertion criteria provided. Criteria: ACMG Guidelines, 2015. Collection method: clinical testing. Allele origin: germline. Affected: yes. Not counted in ClinVar's aggregate classification.